The following is an entry in ClinVar:

ClinVar aggregate classification (germline): Benign. Review status: criteria provided, multiple submitters, no conflicts (2 of 4 stars). 5 submissions from 5 submitters: Benign (5). Last evaluated 2026-02-04.

Allele frequency attached by ClinVar (database versions not stated): 1000 Genomes Project 30x 0.06574; 1000 Genomes Project 0.06589; TOPMed 0.09113; ESP Exome Variant Server 0.10296; gnomAD 0.10435 and 0.10564; gnomAD exomes 0.11538; ExAC 0.12094.
gnomAD v4.1: 222,450 of 1,613,280 alleles (14%); highest among the groups gnomAD compares: Non-Finnish European, 16%; 17,337 homozygotes.

Submissions (5):

Labcorp Genetics (formerly Invitae), Labcorp
Classification: Benign. Last evaluated: 2026-02-04. Review status: criteria provided, single submitter. Criteria: Invitae Variant Classification Sherloc (09022015). Collection method: clinical testing. Allele origin: germline.

Blueprint Genetics
Classification: Benign. Last evaluated: 2024-11-27. Review status: criteria provided, single submitter. Criteria: ACMG Guidelines, 2015. Collection method: clinical testing. Allele origin: germline.

Unidad de Genómica Garrahan, Hospital de Pediatría Garrahan
Classification: Benign. Last evaluated: 2024-07-31. Review status: criteria provided, single submitter. Criteria: ACMG Guidelines, 2015. Collection method: clinical testing. Allele origin: germline. Affected: no. Observed: 19 variant alleles.
Comment: This variant is classified as Benign based on local population frequency. This variant was detected in 20% of patients studied in a panel designed for Epileptic and Developmental Encephalopathy, Progressive Myoclonus Epilepsy and Abnormal Movements and Neurodegeneration with brain iron accumulation. Number of patients: 19. Only high quality variants are reported.

GeneDx
Classification: Benign. Last evaluated: 2021-03-28. Review status: criteria provided, single submitter. Criteria: GeneDx Variant Classification Process June 2021. Collection method: clinical testing. Allele origin: germline. Affected: yes.

Breakthrough Genomics
Classification: Benign. Review status: criteria provided, single submitter. Criteria: ACMG Guidelines, 2015. Collection method: not provided. Allele origin: germline. Inheritance: Autosomal recessive inheritance. Affected: yes.

NM_000718.4(CACNA1B):c.1488A>T (p.Thr496=)

Gene: CACNA1B (calcium voltage-gated channel subunit alpha1 B; plus strand). Cytogenetic location: 9q34.3.
Variant type: single nucleotide variant.
Coding change: c.1488A>T on transcript NM_000718.4 (MANE Select); coding-DNA position 1488, A replaced by T.
Protein change: p.Thr496=; no amino-acid change (threonine 496 retained).
Molecular consequence: synonymous variant.
Genome position (GRCh38, 1-based): chr9:137,971,537, A>T. VCF-style: chr9-137971537-A-T. GRCh37 (hg19) VCF-style: chr9-140865989-A-T.
Other names: c.1488A>T, p.Thr496= (NM_001243812.2).
Identifiers: ClinVar variation 1268872 (VCV001268872.13), dbSNP rs2229951, ClinGen allele CA5376177.